The following is an entry in ClinVar:

NM_001793.6(CDH3):c.146A>G (p.Gln49Arg)

Genes: CDH3 (cadherin 3; plus strand), CDH3-AS1 (CDH3 antisense RNA 1; minus strand). Cytogenetic location: 16q22.1.
Variant type: single nucleotide variant.
Coding change: c.146A>G on transcript NM_001793.6 (MANE Select); coding-DNA position 146, A replaced by G.
Protein change: p.Gln49Arg; replaces glutamine 49 with arginine.
Molecular consequence: missense variant. On other transcripts: intron variant (1).
Genome position (GRCh38, 1-based): chr16:68,645,736, A>G. VCF-style: chr16-68645736-A-G. GRCh37 (hg19) VCF-style: chr16-68679639-A-G.
Other names: c.146A>G, p.Gln49Arg (NM_001317195.3); c.-6+312A>G (NM_001317196.2); short protein forms Q49R.
Identifiers: ClinVar variation 858975 (VCV000858975.8), dbSNP rs1326757564, ClinGen allele CA396455372.

ClinVar aggregate classification (germline): Uncertain significance (1 of 4 stars; one submission).

Submission:

Labcorp Genetics (formerly Invitae), Labcorp
Classification: Uncertain significance. Last evaluated: 2023-08-24. Review status: criteria provided, single submitter. Criteria: Invitae Variant Classification Sherloc (09022015). Collection method: clinical testing. Allele origin: germline.
Comment: This sequence change replaces glutamine, which is neutral and polar, with arginine, which is basic and polar, at codon 49 of the CDH3 protein (p.Gln49Arg). This variant is not present in population databases (gnomAD no frequency). This variant has not been reported in the literature in individuals affected with CDH3-related conditions. ClinVar contains an entry for this variant (Variation ID: 858975). Algorithms developed to predict the effect of missense changes on protein structure and function output the following: SIFT: "Not Available"; PolyPhen-2: "Benign"; Align-GVGD: "Not Available". The arginine amino acid residue is found in multiple mammalian species, which suggests that this missense change does not adversely affect protein function. In summary, the available evidence is currently insufficient to determine the role of this variant in disease. Therefore, it has been classified as a Variant of Uncertain Significance.